The following is an entry in ClinVar:

ClinVar aggregate classification (germline): Uncertain significance (1 of 4 stars; one submission).

gnomAD v4.1: 29 of 1,611,038 alleles (0.0018%); highest among the groups gnomAD compares: Middle Eastern, 0.017%; no homozygotes.

Submission:

GeneDx
Classification: Uncertain significance. Last evaluated: 2024-07-02. Review status: criteria provided, single submitter. Criteria: GeneDx Variant Classification Process June 2021. Collection method: clinical testing. Allele origin: germline. Affected: yes.
Comment: In silico analysis indicates that this missense variant does not alter protein structure/function; Has not been previously published as pathogenic or benign to our knowledge

NM_004046.6(ATP5F1A):c.472A>G (p.Ile158Val)

Gene: ATP5F1A (ATP synthase F1 subunit alpha; minus strand). Cytogenetic location: 18q21.1.
Variant type: single nucleotide variant.
Coding change: c.472A>G on transcript NM_004046.6 (MANE Select); coding-DNA position 472, A replaced by G.
Protein change: p.Ile158Val; replaces isoleucine 158 with valine.
Molecular consequence: missense variant. On other transcripts: intron variant (1).
Genome position (GRCh38, 1-based): chr18:46,089,834, T>C on the plus strand (A>G on the coding strand, the complement: ATP5F1A is on the minus strand). VCF-style: chr18-46089834-T-C. GRCh37 (hg19) VCF-style: chr18-43669800-T-C.
Other names: c.322A>G, p.Ile108Val (NM_001001935.3, NM_001257335.2); c.472A>G, p.Ile158Val (NM_001001937.2); c.417+55A>G (NM_001257334.2); short protein forms I158V, I108V.
Identifiers: ClinVar variation 3393539 (VCV003393539.1).
Genomic context (GRCh38, chr18:46,089,834, plus strand): 5'-TTGATGTTTGTTAGAAGCTGCAACTATATCTAACGAACATTAAACCTACCTTTCCATCAA[T>C]AGCATTACCAAGGGCATCAACTACACGACCCAACAGCTCCTCACCAACTGGAACGTCCAC-3'
Protein context (NP_004037.1, residues 148-168): GRVVDALGNA[Ile158Val]DGKGPIGSKT